The following is an entry in ClinVar:

ClinVar aggregate classification (germline): Uncertain significance (1 of 4 stars; one submission).

Conditions:
Inborn genetic diseases. Identifiers: MedGen C0950123, MeSH D030342.

gnomAD v4.1: 1 of 1,609,670 alleles (0.000062%); no homozygotes.

Submission:

Ambry Genetics
Classification: Uncertain significance for Inborn genetic diseases. Last evaluated: 2025-05-24. Review status: criteria provided, single submitter. Criteria: Ambry Variant Classification Scheme 2023. Collection method: clinical testing. Allele origin: germline.
Comment: The p.R263G variant (also known as c.787A>G), located in coding exon 5 of the RECQL4 gene, results from an A to G substitution at nucleotide position 787. The arginine at codon 263 is replaced by glycine, an amino acid with dissimilar properties. This amino acid position is conserved. In addition, this alteration is predicted to be tolerated by in silico analysis. Based on the available evidence, the clinical significance of this variant remains unclear.

NM_004260.4(RECQL4):c.787A>G (p.Arg263Gly)

Gene: RECQL4 (RecQ like helicase 4; minus strand). Cytogenetic location: 8q24.3.
Variant type: single nucleotide variant.
Coding change: c.787A>G on transcript NM_004260.4 (MANE Select); coding-DNA position 787, A replaced by G.
Protein change: p.Arg263Gly; replaces arginine 263 with glycine.
Molecular consequence: missense variant. On other transcripts: 5 prime UTR variant (17), non-coding transcript variant (3).
Genome position (GRCh38, 1-based): chr8:144,516,332, T>C on the plus strand (A>G on the coding strand, the complement: RECQL4 is on the minus strand). VCF-style: chr8-144516332-T-C. GRCh37 (hg19) VCF-style: chr8-145741716-T-C.
Other names: c.787A>G, p.Arg263Gly (NM_001413017.1, NM_001413018.1, NM_001413019.1 and 4 more transcripts); c.-285A>G (NM_001413021.1, NM_001413022.1, NM_001413023.1 and 7 more transcripts); c.658A>G, p.Arg220Gly (NM_001413025.1); c.-347A>G (NM_001413027.1, NM_001413030.1, NM_001413031.1 and 2 more transcripts); c.436A>G, p.Arg146Gly (NM_001413029.1); c.-189A>G (NM_001413034.1); c.-554A>G (NM_001413043.1); short protein forms R220G, R146G, R263G.
Identifiers: ClinVar variation 3944339 (VCV003944339.1).